The following is an entry in ClinVar:

NM_001367624.2(ZNF469):c.10166G>A (p.Gly3389Glu)

Gene: ZNF469 (zinc finger protein 469; plus strand). Cytogenetic location: 16q24.2.
Variant type: single nucleotide variant.
Coding change: c.10166G>A on transcript NM_001367624.2 (MANE Select); coding-DNA position 10166, G replaced by A.
Protein change: p.Gly3389Glu; replaces glycine 3389 with glutamic acid.
Molecular consequence: missense variant.
Genome position (GRCh38, 1-based): chr16:88,437,636, G>A. VCF-style: chr16-88437636-G-A. GRCh37 (hg19) VCF-style: chr16-88504044-G-A.
Other names: NM_001127464.1:c.10082G>A; short protein forms G3389E.
Identifiers: ClinVar variation 3821090 (VCV003821090.1).

ClinVar aggregate classification (germline): Uncertain significance (1 of 4 stars; one submission).

Conditions:
Cardiovascular phenotype. Identifiers: MedGen CN230736.

Submission:

Ambry Genetics
Classification: Uncertain significance for Cardiovascular phenotype. Last evaluated: 2024-12-17. Review status: criteria provided, single submitter. Criteria: Ambry Variant Classification Scheme 2023. Collection method: clinical testing. Allele origin: germline.
Comment: The p.G3361E variant (also known as c.10082G>A), located in coding exon 2 of the ZNF469 gene, results from a G to A substitution at nucleotide position 10082. The glycine at codon 3361 is replaced by glutamic acid, an amino acid with similar properties. This amino acid position is conserved. In addition, this alteration is predicted to be tolerated by in silico analysis. Based on the available evidence, the clinical significance of this variant remains unclear.